The following is an entry in ClinVar:

ClinVar aggregate classification (germline): Uncertain significance (1 of 4 stars; one submission).

Allele frequency attached by ClinVar (database versions not stated): gnomAD exomes below 0.00001.

Submission:

Laboratory for Molecular Medicine, Mass General Brigham Personalized Medicine
Classification: Uncertain significance. Last evaluated: 2013-10-06. Review status: criteria provided, single submitter. Criteria: LMM Criteria. Collection method: clinical testing. Allele origin: germline. Observed: 1 variant allele.
Comment: Variant classified as Uncertain Significance - Favor Pathogenic. The Leu1640Arg variant in STRC has not been reported in individuals with hearing loss or in lar ge population studies. Computational analyses (biochemical amino acid properties , conservation, AlignGVGD, PolyPhen2, and SIFT) suggest that the Leu1640Arg vari ant may impact the protein, though this information is not predictive enough to determine pathogenicity. In summary, the clinical significance of this variant c annot be determined with certainty; however due to the fact that it was identifi ed in an individual with hearing loss (this patient) who also carries a pathogen ic STRC variant on the other allele, we would lean towards a more likely pathog enic role.

NM_153700.2(STRC):c.4919T>G (p.Leu1640Arg)

Gene: STRC (stereocilin; minus strand). Cytogenetic location: 15q15.3.
Variant type: single nucleotide variant.
Coding change: c.4919T>G on transcript NM_153700.2 (MANE Select); coding-DNA position 4919, T replaced by G.
Protein change: p.Leu1640Arg; replaces leucine 1640 with arginine.
Molecular consequence: missense variant.
Genome position (GRCh38, 1-based): chr15:43,600,608, A>C on the plus strand (T>G on the coding strand, the complement: STRC is on the minus strand). VCF-style: chr15-43600608-A-C. GRCh37 (hg19) VCF-style: chr15-43892806-A-C.
Other names: short protein forms L1640R.
Identifiers: ClinVar variation 165300 (VCV000165300.5), dbSNP rs727503440, ClinGen allele CA178036.